The following is an entry in ClinVar:

NM_001711.6(BGN):c.133G>C (p.Asp45His)

Gene: BGN (biglycan; plus strand). Cytogenetic location: Xq28.
Variant type: single nucleotide variant.
Coding change: c.133G>C on transcript NM_001711.6 (MANE Select); coding-DNA position 133, G replaced by C.
Protein change: p.Asp45His; replaces aspartic acid 45 with histidine.
Molecular consequence: missense variant.
Genome position (GRCh38, 1-based): chrX:153,504,764, G>C. VCF-style: chrX-153504764-G-C. GRCh37 (hg19) VCF-style: chrX-152770222-G-C.
Other names: short protein forms D45H.
Identifiers: ClinVar variation 4804610 (VCV004804610.1).

ClinVar aggregate classification (germline): Uncertain significance (1 of 4 stars; one submission).

Submission:

Labcorp Genetics (formerly Invitae), Labcorp
Classification: Uncertain significance. Last evaluated: 2025-11-27. Review status: criteria provided, single submitter. Criteria: Invitae Variant Classification Sherloc (09022015). Collection method: clinical testing. Allele origin: germline.
Comment: This sequence change replaces aspartic acid, which is acidic and polar, with histidine, which is basic and polar, at codon 45 of the BGN protein (p.Asp45His). This variant is not present in population databases (gnomAD no frequency). This variant has not been reported in the literature in individuals affected with BGN-related conditions. An algorithm developed to predict the effect of missense changes on protein structure and function (PolyPhen-2) suggests that this variant is likely to be tolerated. In summary, the available evidence is currently insufficient to determine the role of this variant in disease. Therefore, it has been classified as a Variant of Uncertain Significance.